The following is an entry in ClinVar:

NM_012330.4(KAT6B):c.2284A>C (p.Asn762His)

Gene: KAT6B (lysine acetyltransferase 6B; plus strand). Cytogenetic location: 10q22.2.
Variant type: single nucleotide variant.
Coding change: c.2284A>C on transcript NM_012330.4 (MANE Select); coding-DNA position 2284, A replaced by C.
Protein change: p.Asn762His; replaces asparagine 762 with histidine.
Molecular consequence: missense variant. On other transcripts: intron variant (2).
Genome position (GRCh38, 1-based): chr10:74,981,839, A>C. VCF-style: chr10-74981839-A-C. GRCh37 (hg19) VCF-style: chr10-76741597-A-C.
Other names: c.1735A>C, p.Asn579His (NM_001256468.2, NM_001370138.1); c.1408A>C, p.Asn470His (NM_001256469.2, NM_001370132.1, NM_001370139.1 and 3 more transcripts); c.361A>C, p.Asn121His (NM_001370134.1); c.2284A>C, p.Asn762His (NM_001370136.1, NM_001370137.1); c.1219A>C, p.Asn407His (NM_001370143.1, NM_001370144.1); c.847-7180A>C (NM_001370133.1); c.193-7180A>C (NM_001370135.1); short protein forms N121H, N407H, N470H, N579H, N762H.
Identifiers: ClinVar variation 2577725 (VCV002577725.1), dbSNP rs2548989637, ClinGen allele CA377292970.

ClinVar aggregate classification (germline): Uncertain significance (1 of 4 stars; one submission).

Submission:

GeneDx
Classification: Uncertain significance. Last evaluated: 2023-02-23. Review status: criteria provided, single submitter. Criteria: GeneDx Variant Classification Process June 2021. Collection method: clinical testing. Allele origin: germline. Affected: yes.
Comment: Not observed at significant frequency in large population cohorts (gnomAD); In silico analysis supports that this missense variant has a deleterious effect on protein structure/function; Has not been previously published as pathogenic or benign to our knowledge